The following is an entry in ClinVar:

NM_005120.3(MED12):c.4483_4490del (p.Gln1495fs)

Gene: MED12 (mediator complex subunit 12; plus strand). Cytogenetic location: Xq13.1.
Variant type: Deletion.
Coding change: c.4483_4490del on transcript NM_005120.3 (MANE Select); coding-DNA positions 4483 to 4490, 8 bases deleted (CAACGCGA; older notation c.4483_4490delCAACGCGA).
Protein change: p.Gln1495fs; shifts the reading frame from glutamine 1495.
Molecular consequence: frameshift variant.
Genome position (GRCh38, 1-based): chrX:71,132,912-71,132,919, CAACGCGA deleted; deleting any 8 consecutive bases within chrX:71,132,911-71,132,919 gives the same sequence; the c. name uses the placement nearest the transcript's 3' end. VCF-style (leftmost placement, unchanged base first): chrX-71132910-AACAACGCG-A. GRCh37 (hg19) VCF-style: chrX-70352760-AACAACGCG-A.
Other names: short protein forms Q1495fs.
Identifiers: ClinVar variation 2582305 (VCV002582305.4), dbSNP rs2519702423, ClinGen allele CA2582342913.

ClinVar aggregate classification (germline): Pathogenic. Review status: criteria provided, multiple submitters, no conflicts (2 of 4 stars). 3 submissions from 2 submitters: Pathogenic (3). Last evaluated 2024-04-26.

Conditions:
Cholestasis-pigmentary retinopathy-cleft palate syndrome (HDKR). Also called: Hardikar Syndrome (HS). Identifiers: Orphanet 1415, MedGen C0795969, MeSH C535632, MONDO:0012997, OMIM 301068.
Nonspecific Intellectual Disability.
MED12-Related Disorders. Also called: MED12-related disorder; MED12-related condition. Identifiers: MedGen CN381102.

Submissions (3):

Daryl Scott Lab, Baylor College of Medicine
Classification: Pathogenic for Nonspecific Intellectual Disability. Last evaluated: 2024-04-26. Review status: criteria provided, single submitter. Criteria: ACMG Guidelines, 2015. Collection method: clinical testing. Allele origin: de novo. Affected: yes. Observed: 1 heterozygote.

Daryl Scott Lab, Baylor College of Medicine
Classification: Pathogenic for MED12-related disorder. Last evaluated: 2024-01-01. Review status: criteria provided, single submitter. Criteria: ACMG Guidelines, 2015. Collection method: clinical testing. Allele origin: de novo. Affected: yes. Observed: 1 heterozygote.
Comment: PVS1, PS2, PM2

Baylor Genetics
Classification: Pathogenic for Cholestasis-pigmentary retinopathy-cleft palate syndrome. Last evaluated: 2023-06-27. Review status: criteria provided, single submitter. Criteria: ACMG Guidelines, 2015. Collection method: clinical testing. Allele origin: unknown.